The following is an entry in ClinVar:

NM_000264.5(PTCH1):c.3737G>A (p.Gly1246Asp)

Gene: PTCH1 (patched 1; minus strand). Cytogenetic location: 9q22.32.
Variant type: single nucleotide variant.
Coding change: c.3737G>A on transcript NM_000264.5 (MANE Select); coding-DNA position 3737, G replaced by A.
Protein change: p.Gly1246Asp; replaces glycine 1246 with aspartic acid.
Molecular consequence: missense variant. On other transcripts: non-coding transcript variant (1).
Genome position (GRCh38, 1-based): chr9:95,449,136, C>T on the plus strand (G>A on the coding strand, the complement: PTCH1 is on the minus strand). VCF-style: chr9-95449136-C-T. GRCh37 (hg19) VCF-style: chr9-98211418-C-T.
Other names: c.3539G>A, p.Gly1180Asp (NM_001083602.3); c.3734G>A, p.Gly1245Asp (NM_001083603.3); c.3284G>A, p.Gly1095Asp (NM_001083604.3, NM_001083605.3, NM_001083606.3 and 1 more transcripts); c.3581G>A, p.Gly1194Asp (NM_001354918.2); short protein forms G1180D, G1194D, G1246D, G1245D, G1095D.
Identifiers: ClinVar variation 644339 (VCV000644339.9), dbSNP rs374011978, ClinGen allele CA5138076.

ClinVar aggregate classification (germline): Conflicting classifications of pathogenicity. Review status: criteria provided, conflicting classifications (1 of 4 stars). 2 submissions from 2 submitters: Uncertain significance (1); Likely benign (1). Last evaluated 2025-10-12.

Conditions:
Gorlin syndrome. Also called: Basal cell nevus syndrome; Nevoid Basal Cell Carcinoma Syndrome. Identifiers: Orphanet 377, MedGen C0004779, MONDO:0007187.
Hereditary cancer-predisposing syndrome. Also called: Neoplastic Syndromes, Hereditary; Hereditary Cancer Syndrome; Hereditary neoplastic syndrome; Tumor predisposition. Identifiers: Orphanet 140162, MedGen C0027672, MeSH D009386, MONDO:0015356.

Allele frequency attached by ClinVar (database versions not stated): gnomAD exomes below 0.00001; ExAC 0.00001; gnomAD 0.00001; TOPMed 0.00001; ESP Exome Variant Server 0.00008.
gnomAD v4.1: 8 of 1,614,016 alleles (0.0005%); highest among the groups gnomAD compares: South Asian, 0.0022%; no homozygotes.

Submissions (2):

Labcorp Genetics (formerly Invitae), Labcorp
Classification: Uncertain significance for Gorlin syndrome. Last evaluated: 2025-10-12. Review status: criteria provided, single submitter. Criteria: Invitae Variant Classification Sherloc (09022015). Collection method: clinical testing. Allele origin: germline.
Comment: This sequence change replaces glycine, which is neutral and non-polar, with aspartic acid, which is acidic and polar, at codon 1246 of the PTCH1 protein (p.Gly1246Asp). This variant is not present in population databases (gnomAD no frequency). This variant has not been reported in the literature in individuals affected with PTCH1-related conditions. ClinVar contains an entry for this variant (Variation ID: 644339). Invitae Evidence Modeling of protein sequence and biophysical properties (such as structural, functional, and spatial information, amino acid conservation, physicochemical variation, residue mobility, and thermodynamic stability) indicates that this missense variant is not expected to disrupt PTCH1 protein function with a negative predictive value of 95%. In summary, the available evidence is currently insufficient to determine the role of this variant in disease. Therefore, it has been classified as a Variant of Uncertain Significance.

Ambry Genetics
Classification: Likely benign for Hereditary cancer-predisposing syndrome. Last evaluated: 2023-02-17. Review status: criteria provided, single submitter. Criteria: Ambry Variant Classification Scheme 2023. Collection method: clinical testing. Allele origin: germline.